The following is an entry in ClinVar:

NM_145207.3(AFG2A):c.2045C>T (p.Ala682Val)

Gene: AFG2A (AFG2 AAA ATPase homolog A; plus strand). Cytogenetic location: 4q28.1.
Variant type: single nucleotide variant.
Coding change: c.2045C>T on transcript NM_145207.3 (MANE Select); coding-DNA position 2045, C replaced by T.
Protein change: p.Ala682Val; replaces alanine 682 with valine.
Molecular consequence: missense variant.
Genome position (GRCh38, 1-based): chr4:123,028,361, C>T. VCF-style: chr4-123028361-C-T. GRCh37 (hg19) VCF-style: chr4-123949516-C-T.
Other names: c.2042C>T, p.Ala681Val (NM_001317799.2, NM_001345856.2); short protein forms A681V, A682V.
Identifiers: ClinVar variation 1197811 (VCV001197811.4), dbSNP rs866943725, ClinGen allele CA104840006.

ClinVar aggregate classification (germline): Likely pathogenic (1 of 4 stars; one submission).

Allele frequency attached by ClinVar (database versions not stated): TOPMed below 0.00001; gnomAD 0.00001; gnomAD exomes 0.00001.
gnomAD v4.1: 7 of 1,613,980 alleles (0.00043%); highest among the groups gnomAD compares: South Asian, 0.0022%; no homozygotes.

Submission:

GeneDx
Classification: Likely pathogenic. Last evaluated: 2023-12-21. Review status: criteria provided, single submitter. Criteria: GeneDx Variant Classification Process June 2021. Collection method: clinical testing. Allele origin: germline. Affected: yes.
Comment: Not observed at significant frequency in large population cohorts (gnomAD); In silico analysis supports that this missense variant has a deleterious effect on protein structure/function; Has not been previously published as pathogenic or benign to our knowledge